The following is an entry in ClinVar:

NM_001972.4(ELANE):c.653T>C (p.Phe218Ser)

Gene: ELANE (elastase, neutrophil expressed; plus strand). Cytogenetic location: 19p13.3.
Variant type: single nucleotide variant.
Coding change: c.653T>C on transcript NM_001972.4 (MANE Select); coding-DNA position 653, T replaced by C.
Protein change: p.Phe218Ser; replaces phenylalanine 218 with serine.
Molecular consequence: missense variant.
Genome position (GRCh38, 1-based): chr19:856,013, T>C. VCF-style: chr19-856013-T-C. GRCh37 (hg19) VCF-style: chr19-856013-T-C.
Other names: short protein forms F218S.
Identifiers: ClinVar variation 3600517 (VCV003600517.1).

ClinVar aggregate classification (germline): Uncertain significance (1 of 4 stars; one submission).

Conditions:
Cyclical neutropenia. Also called: Cyclic hematopoiesis; Cyclic Neutropenia. Identifiers: Orphanet 2686, MedGen C0221023, MONDO:0008090, OMIM 162800, HP:0040289. Disease mechanism: loss of function.

Submission:

Clinical Genomics Laboratory, Washington University in St. Louis
Classification: Uncertain significance for Cyclical neutropenia. Last evaluated: 2024-09-20. Review status: criteria provided, single submitter. Criteria: ACMG Guidelines, 2015. Collection method: clinical testing. Allele origin: germline.
Comment: The ELANE c.653T>C (p.Phe218Ser) variant, to our knowledge, has not been reported in the medical literature and is absent from the general population (gnomAD v.2.1.1), indicating it is not a common variant. This amino acid is conserved and is predicted to occur in a beta-sheet near the nonprime substrate binding site (Bagga T et al., PMID: 35014748), and computational predictors indicate that the variant is damaging, evidence that correlates with impact to ELANE function. Due to limited information, and based on ACMG/AMP guidelines for variant interpretation (Richards S et al., PMID: 25741868), the clinical significance of this variant is uncertain at this time.